The following is an entry in ClinVar:

ClinVar aggregate classification (germline): Uncertain significance (1 of 4 stars; one submission).

Submission:

Ambry Genetics
Classification: Uncertain significance. Last evaluated: 2023-08-11. Review status: criteria provided, single submitter. Criteria: Ambry Variant Classification Scheme 2023. Collection method: clinical testing. Allele origin: germline.
Comment: The p.G19R variant (also known as c.55G>C), located in coding exon 1 of the NEBL gene, results from a G to C substitution at nucleotide position 55. The glycine at codon 19 is replaced by arginine, an amino acid with dissimilar properties. This amino acid position is conserved. In addition, this alteration is predicted to be tolerated by in silico analysis. Since supporting evidence is limited at this time, the clinical significance of this alteration remains unclear.

NM_006393.3(NEBL):c.55G>C (p.Gly19Arg)

Gene: NEBL (nebulette; minus strand). Cytogenetic location: 10p12.31.
Variant type: single nucleotide variant.
Coding change: c.55G>C on transcript NM_006393.3 (MANE Select); coding-DNA position 55, G replaced by C.
Protein change: p.Gly19Arg; replaces glycine 19 with arginine.
Molecular consequence: missense variant. On other transcripts: intron variant (9).
Genome position (GRCh38, 1-based): chr10:20,897,151, C>G on the plus strand (G>C on the coding strand, the complement: NEBL is on the minus strand). VCF-style: chr10-20897151-C-G. GRCh37 (hg19) VCF-style: chr10-21186080-C-G.
Other names: c.249+64521G>C (NM_001377326.1, NM_001377327.1, NM_001377328.1); c.357+64521G>C (NM_213569.2, NM_001173484.2, NM_001377322.1); c.300+64521G>C (NM_001377324.1); c.291+64521G>C (NM_001377325.1); c.309+64521G>C (NM_001377323.1); short protein forms G19R.
Identifiers: ClinVar variation 2625791 (VCV002625791.2), dbSNP rs2492664808, ClinGen allele CA376098840.
Genomic context (GRCh38, chr10:20,897,151, plus strand): 5'-AAACGCTGGTCTGAGTATGTGTTTTCTCACTCACCTGGTCTTCTTCATTTTCTTCTTCCC[C>G]TATCTTTTCTTCTTCAGTTTCATCTTTTATATCCTCAAATACAGGGACCCTCATTTTTAC-3'
Protein context (NP_006384.1, residues 9-29): IKDETEEEKI[Gly19Arg]EEENEEDQVF